The following is an entry in ClinVar:

NM_138927.4(SON):c.3152C>T (p.Ser1051Phe)

Gene: SON (SON DNA and RNA binding protein; plus strand). Cytogenetic location: 21q22.11.
Variant type: single nucleotide variant.
Coding change: c.3152C>T on transcript NM_138927.4 (MANE Select); coding-DNA position 3152, C replaced by T.
Protein change: p.Ser1051Phe; replaces serine 1051 with phenylalanine.
Molecular consequence: missense variant. On other transcripts: non-coding transcript variant (1), intron variant (1).
Genome position (GRCh38, 1-based): chr21:33,552,383, C>T. VCF-style: chr21-33552383-C-T. GRCh37 (hg19) VCF-style: chr21-34924689-C-T.
Other names: c.3152C>T, p.Ser1051Phe (NM_001291411.2, NM_032195.3); c.245-4773C>T (NM_001291412.3); short protein forms S1051F.
Identifiers: ClinVar variation 3343141 (VCV003343141.1).
Genomic context (GRCh38, chr21:33,552,383, plus strand): 5'-GCTCTATGATGTCAGCCTACGAGCGCTCTATGATGTCAGCCTACGAGCGCTCTATGATGT[C>T]CCCTATGGCTGAGCGCTCTATGATGTCAGCTTATGAACGCTCCATGATGTCAGCTTATGA-3'
Protein context (NP_620305.3, residues 1041-1061): MMSAYERSMM[Ser1051Phe]PMAERSMMSA

ClinVar aggregate classification (germline): Uncertain significance (1 of 4 stars; one submission).

gnomAD v4.1: 1 of 1,613,866 alleles (0.000062%); highest among the groups gnomAD compares: Non-Finnish European, 0.000085%; no homozygotes.

Submission:

GeneDx
Classification: Uncertain significance. Last evaluated: 2023-04-21. Review status: criteria provided, single submitter. Criteria: GeneDx Variant Classification Process June 2021. Collection method: clinical testing. Allele origin: germline. Affected: yes.
Comment: Not observed at significant frequency in large population cohorts (gnomAD); In silico analysis supports that this missense variant has a deleterious effect on protein structure/function; Has not been previously published as pathogenic or benign to our knowledge